The following is an entry in ClinVar:

ClinVar aggregate classification (germline): Conflicting classifications of pathogenicity. Review status: criteria provided, conflicting classifications (1 of 4 stars). 2 submissions from 2 submitters: Uncertain significance (1); Likely benign (1). Last evaluated 2022-10-12.

Conditions:
Hepatic veno-occlusive disease-immunodeficiency syndrome. Also called: Hepatic Veno-Occlusive Disease with Immunodeficiency. Identifiers: Orphanet 79124, MedGen C1856128, MONDO:0009338, OMIM 235550. Disease mechanism: loss of function.
Inborn genetic diseases. Identifiers: MedGen C0950123, MeSH D030342.

Allele frequency attached by ClinVar (database versions not stated): gnomAD exomes 0.00005; gnomAD 0.00010; ExAC 0.00007; TOPMed 0.00010.
gnomAD v4.1: 25 of 1,613,992 alleles (0.0015%); highest among the groups gnomAD compares: East Asian, 0.02%; no homozygotes.

Submissions (2):

Ambry Genetics
Classification: Likely benign for Inborn genetic diseases. Last evaluated: 2022-10-12. Review status: criteria provided, single submitter. Criteria: Ambry Variant Classification Scheme 2023. Collection method: clinical testing. Allele origin: germline.

Labcorp Genetics (formerly Invitae), Labcorp
Classification: Uncertain significance for Hepatic venoocclusive disease with immunodeficiency. Last evaluated: 2018-12-15. Review status: criteria provided, single submitter. Criteria: Invitae Variant Classification Sherloc (09022015). Collection method: clinical testing. Allele origin: germline.
Comment: This sequence change replaces arginine with glutamine at codon 112 of the SP110 protein (p.Arg112Gln). TheÂ¬â€ arginineÂ¬â€ residue is weakly conserved and there is a small physicochemical difference betweenÂ¬â€ arginine and glutamine. This variant is present in population databases (ExAC 0.05%). This variant has not been reported in the literature in individuals with SP110-related conditions. Algorithms developed to predict the effect of missense changes on protein structure and function output the following: SIFT: "Tolerated"; PolyPhen-2: "Not Available"; Align-GVGD: "Class C0". The glutamine amino acid residue is found in multiple mammalian species, suggesting that this missense change does not adversely affect protein function. These predictions have not been confirmed by published functional studies and their clinical significance is uncertain. In summary, the available evidence is currently insufficient to determine the role of this variant in disease. Therefore, it has been classified as a Variant of Uncertain Significance.

NM_080424.4(SP110):c.335G>A (p.Trp112Ter)

Genes: SP140 (SP140 nuclear body protein; plus strand), SP110 (SP110 nuclear body protein; minus strand). Cytogenetic location: 2q37.1.
Variant type: single nucleotide variant.
Coding change: c.335G>A on transcript NM_080424.4 (MANE Select); coding-DNA position 335, G replaced by A.
Protein change: p.Trp112Ter; replaces tryptophan 112 with a stop codon.
Molecular consequence: nonsense.
Genome position (GRCh38, 1-based): chr2:230,213,009, C>T on the plus strand (G>A on the coding strand, the complement: SP110 is on the minus strand). VCF-style: chr2-230213009-C-T. GRCh37 (hg19) VCF-style: chr2-231077724-C-T.
Other names: c.353G>A, p.Trp118Ter (NM_001185015.2, NM_001378442.1, NM_001378444.1 and 2 more transcripts); c.335G>A, p.Trp112Ter (NM_001378443.1, NM_001378447.1, NM_004509.5 and 1 more transcripts); short protein forms W118*, W112*.
Identifiers: ClinVar variation 649389 (VCV000649389.4), dbSNP rs757092766, ClinGen allele CA2154851.